The following is an entry in ClinVar:

NM_000059.4(BRCA2):c.9041C>A (p.Ser3014Ter)

Gene: BRCA2 (BRCA2 DNA repair associated; plus strand). Cytogenetic location: 13q13.1.
Variant type: single nucleotide variant.
Coding change: c.9041C>A on transcript NM_000059.4 (MANE Select); coding-DNA position 9041, C replaced by A.
Protein change: p.Ser3014Ter; replaces serine 3014 with a stop codon.
Molecular consequence: nonsense.
Genome position (GRCh38, 1-based): chr13:32,379,837, C>A. VCF-style: chr13-32379837-C-A. GRCh37 (hg19) VCF-style: chr13-32953974-C-A.
Other names: short protein forms S3014*.
Identifiers: ClinVar variation 52733 (VCV000052733.6), dbSNP rs80359156, ClinGen allele CA025939.

ClinVar aggregate classification (germline): Pathogenic. Review status: reviewed by expert panel (3 of 4 stars). 4 submissions from 4 submitters: Pathogenic (1). 3 of the submissions do not count toward it. Last evaluated 2016-09-08.

Conditions:
Hereditary cancer-predisposing syndrome. Also called: Neoplastic Syndromes, Hereditary; Tumor predisposition; Hereditary neoplastic syndrome; Hereditary Cancer Syndrome. Identifiers: Orphanet 140162, MedGen C0027672, MeSH D009386, MONDO:0015356.
Breast-ovarian cancer, familial, susceptibility to, 2 (BROVCA2). Also called: BRCA2 Hereditary Breast and Ovarian Cancer. Identifiers: Orphanet 145, MedGen C2675520, MONDO:0012933, OMIM 612555. Disease mechanism: loss of function.

Allele frequency attached by ClinVar (database versions not stated): TOPMed below 0.00001; gnomAD 0.00001.
gnomAD v4.1: 1 of 1,613,448 alleles (0.000062%); highest among the groups gnomAD compares: Non-Finnish European, 0.000085%; no homozygotes.

Submissions (4):

Evidence-based Network for the Interpretation of Germline Mutant Alleles (ENIGMA)
Classification: Pathogenic for Breast-ovarian cancer, familial, susceptibility to, 2. Last evaluated: 2016-09-08. Review status: reviewed by expert panel. Criteria: ENIGMA BRCA1/2 Classification Criteria (2015). Collection method: curation. Allele origin: germline.
Comment: Variant allele predicted to encode a truncated non-functional protein.

Ambry Genetics
Classification: Pathogenic for Hereditary cancer-predisposing syndrome. Last evaluated: 2025-04-30. Review status: criteria provided, single submitter. Criteria: Ambry Variant Classification Scheme 2023. Collection method: clinical testing. Allele origin: germline. Not counted in ClinVar's aggregate classification.
Comment: The p.S3014* pathogenic mutation (also known as c.9041C>A), located in coding exon 22 of the BRCA2 gene, results from a C to A substitution at nucleotide position 9041. This changes the amino acid from a serine to a stop codon within coding exon 22. This alteration was identified amongst a cohort of 3984 Chinese women diagnosed with a breast cancer undergoing BRCA1/2 genetic testing (Yao L et al. J Hum Genet, 2022 Nov;67:639-642). This variant is considered to be rare based on population cohorts in the Genome Aggregation Database (gnomAD). This alteration is expected to result in loss of function by premature protein truncation or nonsense-mediated mRNA decay. As such, this alteration is interpreted as a disease-causing mutation.

Consortium of Investigators of Modifiers of BRCA1/2 (CIMBA), c/o University of Cambridge
Classification: Pathogenic for Breast-ovarian cancer, familial, susceptibility to, 2. Last evaluated: 2015-10-02. Review status: criteria provided, single submitter. Criteria: CIMBA Mutation Classification guidelines May 2016. Collection method: clinical testing. Allele origin: germline. Not counted in ClinVar's aggregate classification.

Breast Cancer Information Core (BIC) (BRCA2)
Classification: Pathogenic for Breast-ovarian cancer, familial 2. Last evaluated: 1998-04-02. Review status: no assertion criteria provided. Collection method: clinical testing. Allele origin: germline. Affected: yes. Observed: 2 variant alleles. Not counted in ClinVar's aggregate classification.

Literature cited by the submitters: PubMed 35864222 (cited by Ambry Genetics).